The following is an entry in ClinVar:

NM_000334.4(SCN4A):c.2854-153A>G

Genes: GH-LCR (growth hormone locus control region; plus strand), SCN4A (sodium voltage-gated channel alpha subunit 4; minus strand). Cytogenetic location: 17q23.3.
Variant type: single nucleotide variant.
Coding change: c.2854-153A>G on transcript NM_000334.4 (MANE Select); 153 bases into the intron before coding-DNA position 2854, A replaced by G.
Molecular consequence: intron variant.
Genome position (GRCh38, 1-based): chr17:63,949,681, T>C on the plus strand (A>G on the coding strand, the complement: SCN4A is on the minus strand). VCF-style: chr17-63949681-T-C. GRCh37 (hg19) VCF-style: chr17-62027041-T-C.
Identifiers: ClinVar variation 678980 (VCV000678980.2), dbSNP rs114603084, ClinGen allele CA292963548.

ClinVar aggregate classification (germline): Benign. Review status: criteria provided, multiple submitters, no conflicts (2 of 4 stars). 2 submissions from 2 submitters: Benign (2). Last evaluated 2018-06-14.

Allele frequency attached by ClinVar (database versions not stated): gnomAD exomes 0.00257; gnomAD 0.02310 and 0.02430; TOPMed 0.02646; 1000 Genomes Project 30x 0.03170; 1000 Genomes Project 0.03195.
gnomAD v4.1: 5,519 of 890,250 alleles (0.62%); highest among the groups gnomAD compares: African/African-American, 8%; 205 homozygotes.

Submissions (2):

GeneDx
Classification: Benign. Last evaluated: 2018-06-14. Review status: criteria provided, single submitter. Criteria: GeneDx Variant Classification (06012015). Collection method: clinical testing. Allele origin: germline. Affected: yes.
Comment: This variant is considered likely benign or benign based on one or more of the following criteria: it is a conservative change, it occurs at a poorly conserved position in the protein, it is predicted to be benign by multiple in silico algorithms, and/or has population frequency not consistent with disease.

Breakthrough Genomics
Classification: Benign. Review status: criteria provided, single submitter. Criteria: ACMG Guidelines, 2015. Collection method: not provided. Allele origin: germline. Inheritance: Autosomal recessive inheritance. Affected: yes.